The following is an entry in ClinVar:

ClinVar aggregate classification (germline): Uncertain significance (1 of 4 stars; one submission).

gnomAD v4.1: 9 of 1,608,812 alleles (0.00056%); highest among the groups gnomAD compares: South Asian, 0.0022%; no homozygotes.

Submission:

GeneDx
Classification: Uncertain significance. Last evaluated: 2024-04-03. Review status: criteria provided, single submitter. Criteria: GeneDx Variant Classification Process June 2021. Collection method: clinical testing. Allele origin: germline. Affected: yes.
Comment: Not observed at significant frequency in large population cohorts (gnomAD); In silico analysis supports that this missense variant has a deleterious effect on protein structure/function; Has not been previously published as pathogenic or benign to our knowledge

NM_001378414.1(HDAC4):c.313G>A (p.Glu105Lys)

Gene: HDAC4 (histone deacetylase 4; minus strand). Cytogenetic location: 2q37.3.
Variant type: single nucleotide variant.
Coding change: c.313G>A on transcript NM_001378414.1 (MANE Select); coding-DNA position 313, G replaced by A.
Protein change: p.Glu105Lys; replaces glutamic acid 105 with lysine.
Molecular consequence: missense variant.
Genome position (GRCh38, 1-based): chr2:239,189,859, C>T on the plus strand (G>A on the coding strand, the complement: HDAC4 is on the minus strand). VCF-style: chr2-239189859-C-T. GRCh37 (hg19) VCF-style: chr2-240111555-C-T.
Other names: c.313G>A, p.Glu105Lys (NM_001378415.1, NM_001378416.1, NM_001378417.1 and 1 more transcripts); short protein forms E105K.
Identifiers: ClinVar variation 3371256 (VCV003371256.1).